The following is an entry in ClinVar:

NM_198253.3(TERT):c.2032G>C (p.Ala678Pro)

Gene: TERT (telomerase reverse transcriptase; minus strand). Cytogenetic location: 5p15.33.
Variant type: single nucleotide variant.
Coding change: c.2032G>C on transcript NM_198253.3 (MANE Select); coding-DNA position 2032, G replaced by C.
Protein change: p.Ala678Pro; replaces alanine 678 with proline.
Molecular consequence: missense variant. On other transcripts: non-coding transcript variant (2).
Genome position (GRCh38, 1-based): chr5:1,279,389, C>G on the plus strand (G>C on the coding strand, the complement: TERT is on the minus strand). VCF-style: chr5-1279389-C-G. GRCh37 (hg19) VCF-style: chr5-1279504-C-G.
Other names: c.2032G>C, p.Ala678Pro (NM_001193376.3); short protein forms A678P.
Identifiers: ClinVar variation 3759136 (VCV003759136.3).
Genomic context (GRCh38, chr5:1,279,389, plus strand): 5'-GCACACGCAGCACGAAGGTGCGCCAGGCCCTGTGGATATCGTCCAGGCCCAGCACAGAGG[C>G]GCCCAGGAGGCCGGGGCGCCGCGCCCGCTCGTAGTTGAGCACGCTGAACAGTGCCTTCAC-3'
Protein context (NP_937983.2, residues 668-688): ERARRPGLLG[Ala678Pro]SVLGLDDIHR

ClinVar aggregate classification (germline): Uncertain significance. Review status: criteria provided, multiple submitters, no conflicts (2 of 4 stars). 2 submissions from 2 submitters: Uncertain significance (2). Last evaluated 2026-07-05.

Conditions:
Dyskeratosis congenita. Identifiers: Orphanet 1775, MedGen C0265965, MONDO:0015780.
Idiopathic Pulmonary Fibrosis. Also called: Idiopathic fibrosing alveolitis, chronic form; idiopathic fibrosing alveolitis. Identifiers: Orphanet 2032, MedGen C1800706, MeSH D054990, MONDO:0800504.
Dyskeratosis congenita, autosomal dominant 2. Identifiers: MedGen C3151443, MONDO:0013521, OMIM 613989.

Submissions (2):

Ambry Genetics
Classification: Uncertain significance for Dyskeratosis congenita. Last evaluated: 2026-07-05. Review status: criteria provided, single submitter. Criteria: Ambry Variant Classification Scheme 2023. Collection method: clinical testing. Allele origin: germline.
Comment: The p.A678P variant (also known as c.2032G>C), located in coding exon 5 of the TERT gene, results from a G to C substitution at nucleotide position 2032. The alanine at codon 678 is replaced by proline, an amino acid with highly similar properties. This amino acid position is conserved. In addition, this alteration is predicted to be deleterious by in silico analysis. Based on the available evidence, the clinical significance of this variant remains unclear.

Labcorp Genetics (formerly Invitae), Labcorp
Classification: Uncertain significance for Dyskeratosis congenita, autosomal dominant 2; Idiopathic Pulmonary Fibrosis. Last evaluated: 2024-12-07. Review status: criteria provided, single submitter. Criteria: Invitae Variant Classification Sherloc (09022015). Collection method: clinical testing. Allele origin: germline.
Comment: This sequence change replaces alanine, which is neutral and non-polar, with proline, which is neutral and non-polar, at codon 678 of the TERT protein (p.Ala678Pro). This variant is not present in population databases (gnomAD no frequency). This missense change has been observed in individual(s) with TERT-related conditions (internal data). Invitae Evidence Modeling of protein sequence and biophysical properties (such as structural, functional, and spatial information, amino acid conservation, physicochemical variation, residue mobility, and thermodynamic stability) indicates that this missense variant is expected to disrupt TERT protein function with a positive predictive value of 95%. In summary, the available evidence is currently insufficient to determine the role of this variant in disease. Therefore, it has been classified as a Variant of Uncertain Significance.